The following is an entry in ClinVar:

NM_001080508.3(TBX18):c.574G>T (p.Val192Leu)

Gene: TBX18 (T-box transcription factor 18; minus strand). Cytogenetic location: 6q14.3.
Variant type: single nucleotide variant.
Coding change: c.574G>T on transcript NM_001080508.3 (MANE Select); coding-DNA position 574, G replaced by T.
Protein change: p.Val192Leu; replaces valine 192 with leucine.
Molecular consequence: missense variant.
Genome position (GRCh38, 1-based): chr6:84,760,280, C>A on the plus strand (G>T on the coding strand, the complement: TBX18 is on the minus strand). VCF-style: chr6-84760280-C-A. GRCh37 (hg19) VCF-style: chr6-85469998-C-A.
Other names: c.574G>T (NM_001080508.2); short protein forms V192L.
Identifiers: ClinVar variation 915854 (VCV000915854.9), dbSNP rs201041948, ClinGen allele CA3911060.

ClinVar aggregate classification (germline): Conflicting classifications of pathogenicity. Review status: criteria provided, conflicting classifications (1 of 4 stars). 5 submissions from 5 submitters: Uncertain significance (3); Likely benign (1). 1 of the submissions does not count toward it. Last evaluated 2025-07-06.

Conditions:
TBX18-related disorder. Also called: TBX18-related condition.
Chronic kidney disease. Identifiers: MedGen C1561643, MONDO:0005300, HP:0012622.

Allele frequency attached by ClinVar (database versions not stated): ESP Exome Variant Server 0.00023; gnomAD 0.00035 and 0.00038; TOPMed 0.00043; gnomAD exomes 0.00044; ExAC 0.00057.
gnomAD v4.1: 714 of 1,602,876 alleles (0.045%); highest among the groups gnomAD compares: Middle Eastern, 1.7%; 8 homozygotes.

Submissions (5):

Labcorp Genetics (formerly Invitae), Labcorp
Classification: Uncertain significance. Last evaluated: 2025-07-06. Review status: criteria provided, single submitter. Criteria: Invitae Variant Classification Sherloc (09022015). Collection method: clinical testing. Allele origin: germline.
Comment: This sequence change replaces valine, which is neutral and non-polar, with leucine, which is neutral and non-polar, at codon 192 of the TBX18 protein (p.Val192Leu). This variant is present in population databases (rs201041948, gnomAD 0.07%), and has an allele count higher than expected for a pathogenic variant. This variant has not been reported in the literature in individuals affected with TBX18-related conditions. ClinVar contains an entry for this variant (Variation ID: 915854). Invitae Evidence Modeling of protein sequence and biophysical properties (such as structural, functional, and spatial information, amino acid conservation, physicochemical variation, residue mobility, and thermodynamic stability) indicates that this missense variant is not expected to disrupt TBX18 protein function with a negative predictive value of 80%. In summary, the available evidence is currently insufficient to determine the role of this variant in disease. Therefore, it has been classified as a Variant of Uncertain Significance.

Blueprint Genetics
Classification: Likely benign. Last evaluated: 2024-11-04. Review status: criteria provided, single submitter. Criteria: ACMG Guidelines, 2015. Collection method: clinical testing. Allele origin: germline.

Cavalleri Lab, Royal College of Surgeons in Ireland
Classification: Uncertain significance for Chronic kidney disease. Last evaluated: 2020-05-28. Review status: criteria provided, single submitter. Criteria: ACMG Guidelines, 2015. Collection method: research. Allele origin: unknown. Inheritance: Autosomal dominant inheritance. Affected: yes.
Comment: PP3, BS1

Breakthrough Genomics
Classification: Uncertain significance. Review status: criteria provided, single submitter. Criteria: ACMG Guidelines, 2015. Collection method: not provided. Allele origin: germline. Inheritance: Autosomal dominant inheritance. Affected: yes.

PreventionGenetics, part of Exact Sciences
Classification: Likely benign for TBX18-related condition. Last evaluated: 2023-03-15. Review status: no assertion criteria provided. Collection method: clinical testing. Allele origin: germline. Not counted in ClinVar's aggregate classification.
Comment: This variant is classified as likely benign based on ACMG/AMP sequence variant interpretation guidelines (Richards et al. 2015 PMID: 25741868, with internal and published modifications).